The following is an entry in ClinVar:

ClinVar aggregate classification (germline): Uncertain significance (1 of 4 stars; one submission).

Conditions:
Axenfeld-Rieger syndrome type 3 (RIEG3). Also called: AXENFELD-RIEGER ANOMALY WITH CARDIAC DEFECTS AND/OR SENSORINEURAL HEARING LOSS. Identifiers: Orphanet 782, MedGen C2678503, MONDO:0011233, OMIM 602482.

Submission:

Labcorp Genetics (formerly Invitae), Labcorp
Classification: Uncertain significance for Axenfeld-Rieger syndrome type 3. Last evaluated: 2018-10-08. Review status: criteria provided, single submitter. Criteria: Invitae Variant Classification Sherloc (09022015). Collection method: clinical testing. Allele origin: germline.
Comment: In summary, the available evidence is currently insufficient to determine the role of this variant in disease. Therefore, it has been classified as a Variant of Uncertain Significance. This variant disrupts the p.Tyr115 amino acid residue in FOXC1. Another variant that disrupts this residue has been observed in affected individuals (PMID: 16936096), which suggests that this may be a clinically significant amino acid residue. Algorithms developed to predict the effect of missense changes on protein structure and function (SIFT, PolyPhen-2, Align-GVGD) all suggest that this variant is likely to be disruptive, but these predictions have not been confirmed by published functional studies and their clinical significance is uncertain. This variant has been observed in an individual affected with Axenfeld-Rieger syndrome (PMID: 16936096). This variant is not present in population databases (ExAC no frequency). This sequence change replaces tyrosine with cysteine at codon 115 of the FOXC1 protein (p.Tyr115Cys). The tyrosine residue is highly conserved and there is a large physicochemical difference between tyrosine and cysteine.

Literature cited by the submitters: PubMed 16936096.

NM_001453.3(FOXC1):c.344A>G (p.Tyr115Cys)

Gene: FOXC1 (forkhead box C1; plus strand). Cytogenetic location: 6p25.3.
Variant type: single nucleotide variant.
Coding change: c.344A>G on transcript NM_001453.3 (MANE Select); coding-DNA position 344, A replaced by G.
Protein change: p.Tyr115Cys; replaces tyrosine 115 with cysteine.
Molecular consequence: missense variant.
Genome position (GRCh38, 1-based): chr6:1,610,789, A>G. VCF-style: chr6-1610789-A-G. GRCh37 (hg19) VCF-style: chr6-1611024-A-G.
Other names: short protein forms Y115C.
Identifiers: ClinVar variation 640532 (VCV000640532.8), dbSNP rs1581373749, ClinGen allele CA362558608.